The following is an entry in ClinVar:

ClinVar aggregate classification (germline): Benign/Likely benign. Review status: criteria provided, multiple submitters, no conflicts (2 of 4 stars). 4 submissions from 3 submitters: Benign (1); Likely benign (3). Last evaluated 2021-05-16.

Conditions:
Pseudohypoaldosteronism, type IB1, autosomal recessive. Also called: Pseudohypoaldosteronism, Type I, Autosomal Recessive; PHA I, AUTOSOMAL RECESSIVE; Pseudohypoaldosteronism, Type I, Recessive; Autosomal recessive pseudohypoaldosteronism type 1. Identifiers: Orphanet 171876, Orphanet 756, MedGen C5774176, MONDO:0009917, OMIM 264350.
Bronchiectasis with or without elevated sweat chloride 2 (BESC2). Identifiers: Orphanet 60033, MedGen C2751666, MONDO:0013087, OMIM 613021.

Allele frequency attached by ClinVar (database versions not stated): 1000 Genomes Project 0.01038; 1000 Genomes Project 30x 0.01077; TOPMed 0.01786; gnomAD 0.01797 and 0.01803; gnomAD exomes 0.02098.
gnomAD v4.1: 2,777 of 154,644 alleles (1.8%); highest among the groups gnomAD compares: Non-Finnish European, 2.9%; 30 homozygotes.

Submissions (4):

GeneDx
Classification: Likely benign. Last evaluated: 2021-05-16. Review status: criteria provided, single submitter. Criteria: GeneDx Variant Classification Process June 2021. Collection method: clinical testing. Allele origin: germline. Affected: yes.
Comment: See Variant Classification Assertion Criteria.

Illumina Laboratory Services, Illumina
Classification: Benign for Bronchiectasis with or without elevated sweat chloride 2. Last evaluated: 2018-01-12. Review status: criteria provided, single submitter. Criteria: ICSL Variant Classification Criteria 13 December 2019. Collection method: clinical testing. Allele origin: germline.
Comment: This variant was observed in the ICSL laboratory as part of a predisposition screen in an ostensibly healthy population. It had not been previously curated by ICSL or reported in the Human Gene Mutation Database (HGMD: prior to June 1st, 2018), and was therefore a candidate for classification through an automated scoring system. Utilizing variant allele frequency, disease prevalence and penetrance estimates, and inheritance mode, an automated score was calculated to assess if this variant is too frequent to cause the disease. Based on the score and internal cut-off values, a variant classified as benign is not then subjected to further curation. The score for this variant resulted in a classification of benign for this disease.

Illumina Laboratory Services, Illumina
Classification: Likely benign for Pseudohypoaldosteronism, type IB1, autosomal recessive. Last evaluated: 2018-01-12. Review status: criteria provided, single submitter. Criteria: ICSL Variant Classification Criteria 13 December 2019. Collection method: clinical testing. Allele origin: germline.
Comment: This variant was observed in the ICSL laboratory as part of a predisposition screen in an ostensibly healthy population. It had not been previously curated by ICSL or reported in the Human Gene Mutation Database (HGMD: prior to June 1st, 2018), and was therefore a candidate for classification through an automated scoring system. Utilizing variant allele frequency, disease prevalence and penetrance estimates, and inheritance mode, an automated score was calculated to assess if this variant is too frequent to cause the disease. Based on the score and internal cut-off values, a variant classified as likely benign is not then subjected to further curation. The score for this variant resulted in a classification of likely benign for this disease.

Breakthrough Genomics
Classification: Likely benign. Review status: criteria provided, single submitter. Criteria: ACMG Guidelines, 2015. Collection method: not provided. Allele origin: germline. Inheritance: Autosomal recessive inheritance. Affected: yes.

NM_001038.6(SCNN1A):c.*633G>T

Gene: SCNN1A (sodium channel epithelial 1 subunit alpha; minus strand). Cytogenetic location: 12p13.31.
Variant type: single nucleotide variant.
Coding change: c.*633G>T on transcript NM_001038.6 (MANE Select); 633 bases downstream of the stop codon, G replaced by T.
Molecular consequence: 3 prime UTR variant.
Genome position (GRCh38, 1-based): chr12:6,347,240, C>A on the plus strand (G>T on the coding strand, the complement: SCNN1A is on the minus strand). VCF-style: chr12-6347240-C-A. GRCh37 (hg19) VCF-style: chr12-6456406-C-A.
Other names: c.*633G>T (NM_001159575.2, NM_001159576.2).
Identifiers: ClinVar variation 310122 (VCV000310122.7), dbSNP rs62618735, ClinGen allele CA10643130.